The following is an entry in ClinVar:

ClinVar aggregate classification (germline): Conflicting classifications of pathogenicity. Review status: criteria provided, conflicting classifications (1 of 4 stars). 2 submissions from 2 submitters: Uncertain significance (1); Benign (1). Last evaluated 2025-12-16.

Allele frequency attached by ClinVar (database versions not stated): TOPMed below 0.00001; gnomAD 0.00001; ExAC 0.00002.

Submissions (2):

Labcorp Genetics (formerly Invitae), Labcorp
Classification: Benign. Last evaluated: 2025-12-16. Review status: criteria provided, single submitter. Criteria: Invitae Variant Classification Sherloc (09022015). Collection method: clinical testing. Allele origin: germline.

GeneDx
Classification: Uncertain significance. Last evaluated: 2024-04-08. Review status: criteria provided, single submitter. Criteria: GeneDx Variant Classification Process June 2021. Collection method: clinical testing. Allele origin: germline. Affected: yes.
Comment: Not observed at significant frequency in large population cohorts (gnomAD); In silico analysis supports that this missense variant has a deleterious effect on protein structure/function; Has not been previously published as pathogenic or benign to our knowledge

NM_080680.3(COL11A2):c.2650C>T (p.Pro884Ser)

Gene: COL11A2 (collagen type XI alpha 2 chain; minus strand). Cytogenetic location: 6p21.32.
Variant type: single nucleotide variant.
Coding change: c.2650C>T on transcript NM_080680.3 (MANE Select); coding-DNA position 2650, C replaced by T.
Protein change: p.Pro884Ser; replaces proline 884 with serine.
Molecular consequence: missense variant.
Genome position (GRCh38, 1-based): chr6:33,173,534, G>A on the plus strand (C>T on the coding strand, the complement: COL11A2 is on the minus strand). VCF-style: chr6-33173534-G-A. GRCh37 (hg19) VCF-style: chr6-33141311-G-A.
Other names: c.2329C>T, p.Pro777Ser (NM_080679.3); c.2392C>T, p.Pro798Ser (NM_080681.3); c.2650C>T (NM_080680.2); short protein forms P798S, P777S, P884S.
Identifiers: ClinVar variation 2043769 (VCV002043769.5), dbSNP rs756752990, ClinGen allele CA3750785.